The following is an entry in ClinVar:

NM_006904.7(PRKDC):c.3236C>T (p.Ser1079Leu)

Gene: PRKDC (protein kinase, DNA-activated, catalytic subunit; minus strand). Cytogenetic location: 8q11.21.
Variant type: single nucleotide variant.
Coding change: c.3236C>T on transcript NM_006904.7 (MANE Select); coding-DNA position 3236, C replaced by T.
Protein change: p.Ser1079Leu; replaces serine 1079 with leucine.
Molecular consequence: missense variant.
Genome position (GRCh38, 1-based): chr8:47,902,602, G>A on the plus strand (C>T on the coding strand, the complement: PRKDC is on the minus strand). VCF-style: chr8-47902602-G-A. GRCh37 (hg19) VCF-style: chr8-48815162-G-A.
Other names: c.3236C>T, p.Ser1079Leu (NM_001081640.2); short protein forms S1079L.
Identifiers: ClinVar variation 2500071 (VCV002500071.2), dbSNP rs2551875543, ClinGen allele CA371156533.

ClinVar aggregate classification (germline): Uncertain significance. Review status: criteria provided, multiple submitters, no conflicts (2 of 4 stars). 2 submissions from 2 submitters: Uncertain significance (2). Last evaluated 2024-06-22.

Conditions:
Severe combined immunodeficiency due to DNA-PKcs deficiency. Also called: IMMUNODEFICIENCY 26 WITH NEUROLOGIC ABNORMALITIES; Immunodeficiency 26 with or without neurologic abnormalities. Identifiers: Orphanet 317425, MedGen C4014833, MONDO:0014423, OMIM 615966.

Submissions (2):

Ambry Genetics
Classification: Uncertain significance. Last evaluated: 2024-06-22. Review status: criteria provided, single submitter. Criteria: Ambry Variant Classification Scheme 2023. Collection method: clinical testing. Allele origin: germline.
Comment: The p.S1079L variant (also known as c.3236C>T), located in coding exon 27 of the PRKDC gene, results from a C to T substitution at nucleotide position 3236. The serine at codon 1079 is replaced by leucine, an amino acid with dissimilar properties. This amino acid position is conserved. In addition, the in silico prediction for this alteration is inconclusive. Based on the available evidence, the clinical significance of this variant remains unclear.

Center for Genomics, Ann and Robert H. Lurie Children's Hospital of Chicago
Classification: Uncertain significance for Severe combined immunodeficiency due to DNA-PKcs deficiency. Last evaluated: 2022-09-01. Review status: criteria provided, single submitter. Criteria: ACMG Guidelines, 2015. Collection method: clinical testing. Allele origin: germline.
Comment: This variant has not been reported in the literature and is not present in large control databases. Evolutionary conservation and computational predictive tools suggest that this variant may not impact the protein. In summary, data on this variant is insufficient for disease classification. Therefore, the clinical significance of this variant is uncertain.